The following is an entry in ClinVar:

NM_000465.4(BARD1):c.2243A>C (p.Glu748Ala)

Gene: BARD1 (BRCA1 associated RING domain 1; minus strand). Cytogenetic location: 2q35.
Variant type: single nucleotide variant.
Coding change: c.2243A>C on transcript NM_000465.4 (MANE Select); coding-DNA position 2243, A replaced by C.
Protein change: p.Glu748Ala; replaces glutamic acid 748 with alanine.
Molecular consequence: missense variant. On other transcripts: non-coding transcript variant (3).
Genome position (GRCh38, 1-based): chr2:214,728,767, T>G on the plus strand (A>C on the coding strand, the complement: BARD1 is on the minus strand). VCF-style: chr2-214728767-T-G. GRCh37 (hg19) VCF-style: chr2-215593491-T-G.
Other names: c.890A>C, p.Glu297Ala (NM_001282545.2); c.2186A>C, p.Glu729Ala (NM_001282543.2); c.833A>C, p.Glu278Ala (NM_001282548.2); c.704A>C, p.Glu235Ala (NM_001282549.2); short protein forms E278A, E297A, E729A, E748A, E235A.
Identifiers: ClinVar variation 3479732 (VCV003479732.1).

ClinVar aggregate classification (germline): Uncertain significance (1 of 4 stars; one submission).

Conditions:
Hereditary cancer-predisposing syndrome. Also called: Tumor predisposition; Neoplastic Syndromes, Hereditary; Hereditary neoplastic syndrome; Hereditary Cancer Syndrome. Identifiers: Orphanet 140162, MedGen C0027672, MeSH D009386, MONDO:0015356.

Submission:

Ambry Genetics
Classification: Uncertain significance for Hereditary cancer-predisposing syndrome. Last evaluated: 2024-10-14. Review status: criteria provided, single submitter. Criteria: Ambry Variant Classification Scheme 2023. Collection method: clinical testing. Allele origin: germline.
Comment: The p.E748A variant (also known as c.2243A>C), located in coding exon 11 of the BARD1 gene, results from an A to C substitution at nucleotide position 2243. The glutamic acid at codon 748 is replaced by alanine, an amino acid with dissimilar properties. This amino acid position is conserved. In addition, this alteration is predicted to be tolerated by in silico analysis. Based on the available evidence, the clinical significance of this variant remains unclear.